The following is an entry in ClinVar:

ClinVar aggregate classification (germline): Conflicting classifications of pathogenicity. Review status: criteria provided, conflicting classifications (1 of 4 stars). 7 submissions from 7 submitters: Uncertain significance (1); Likely benign (3). 3 of the submissions do not count toward it. Last evaluated 2026-01-28.

Conditions:
PRKDC-related disorder. Also called: PRKDC-related condition.
Severe combined immunodeficiency due to DNA-PKcs deficiency. Also called: IMMUNODEFICIENCY 26 WITH NEUROLOGIC ABNORMALITIES; Immunodeficiency 26 with or without neurologic abnormalities. Identifiers: Orphanet 317425, MedGen C4014833, MONDO:0014423, OMIM 615966.

Allele frequency attached by ClinVar (database versions not stated): 1000 Genomes Project 0.00020; 1000 Genomes Project 30x 0.00031; TOPMed 0.00091; ESP Exome Variant Server 0.00100; gnomAD 0.00103 and 0.00104; ExAC 0.00205.
gnomAD v4.1: 2,412 of 1,609,636 alleles (0.15%); highest among the groups gnomAD compares: Non-Finnish European, 0.19%; 5 homozygotes.

Submissions (7):

Labcorp Genetics (formerly Invitae), Labcorp
Classification: Likely benign for Severe combined immunodeficiency due to DNA-PKcs deficiency. Last evaluated: 2026-01-28. Review status: criteria provided, single submitter. Criteria: Invitae Variant Classification Sherloc (09022015). Collection method: clinical testing. Allele origin: germline.

Blueprint Genetics
Classification: Likely benign. Last evaluated: 2024-11-13. Review status: criteria provided, single submitter. Criteria: ACMG Guidelines, 2015. Collection method: clinical testing. Allele origin: germline.

ARUP Laboratories, Molecular Genetics and Genomics, ARUP Laboratories
Classification: Uncertain significance for Severe combined immunodeficiency due to DNA-PKcs deficiency. Last evaluated: 2019-03-24. Review status: criteria provided, single submitter. Criteria: ARUP Molecular Germline Variant Investigation Process. Collection method: clinical testing. Allele origin: germline.

GeneDx
Classification: Likely benign. Last evaluated: 2017-09-08. Review status: criteria provided, single submitter. Criteria: GeneDx Variant Classification (06012015). Collection method: clinical testing. Allele origin: germline. Affected: yes.
Comment: This variant is considered likely benign or benign based on one or more of the following criteria: it is a conservative change, it occurs at a poorly conserved position in the protein, it is predicted to be benign by multiple in silico algorithms, and/or has population frequency not consistent with disease.

PreventionGenetics, part of Exact Sciences
Classification: Likely benign for PRKDC-related condition. Last evaluated: 2023-03-13. Review status: no assertion criteria provided. Collection method: clinical testing. Allele origin: germline. Not counted in ClinVar's aggregate classification.
Comment: This variant is classified as likely benign based on ACMG/AMP sequence variant interpretation guidelines (Richards et al. 2015 PMID: 25741868, with internal and published modifications).

Clinical Genetics DNA and cytogenetics Diagnostics Lab, Erasmus MC, Erasmus Medical Center
Classification: Likely benign. Review status: no assertion criteria provided. Collection method: clinical testing. Allele origin: germline. Affected: yes. Study: VKGL Data-share Consensus. Not counted in ClinVar's aggregate classification.

Genome Diagnostics Laboratory, University Medical Center Utrecht
Classification: Likely benign. Review status: no assertion criteria provided. Collection method: clinical testing. Allele origin: germline. Affected: yes. Study: VKGL Data-share Consensus. Not counted in ClinVar's aggregate classification.

NM_006904.7(PRKDC):c.4435G>C (p.Val1479Leu)

Gene: PRKDC (protein kinase, DNA-activated, catalytic subunit; minus strand). Cytogenetic location: 8q11.21.
Variant type: single nucleotide variant.
Coding change: c.4435G>C on transcript NM_006904.7 (MANE Select); coding-DNA position 4435, G replaced by C.
Protein change: p.Val1479Leu; replaces valine 1479 with leucine.
Molecular consequence: missense variant.
Genome position (GRCh38, 1-based): chr8:47,887,684, C>G on the plus strand (G>C on the coding strand, the complement: PRKDC is on the minus strand). VCF-style: chr8-47887684-C-G. GRCh37 (hg19) VCF-style: chr8-48800245-C-G.
Other names: c.4435G>C, p.Val1479Leu (NM_001081640.2); short protein forms V1479L.
Identifiers: ClinVar variation 379448 (VCV000379448.25), dbSNP rs199731143, ClinGen allele CA4740895.